The following is an entry in ClinVar:

ClinVar aggregate classification (germline): Uncertain significance. Review status: criteria provided, multiple submitters, no conflicts (2 of 4 stars). 2 submissions from 2 submitters: Uncertain significance (2). Last evaluated 2026-01-21.

Allele frequency attached by ClinVar (database versions not stated): gnomAD exomes below 0.00001; TOPMed below 0.00001.
gnomAD v4.1: 2 of 1,613,996 alleles (0.00012%); highest among the groups gnomAD compares: Admixed American, 0.0017%; no homozygotes.

Submissions (2):

Labcorp Genetics (formerly Invitae), Labcorp
Classification: Uncertain significance. Last evaluated: 2026-01-21. Review status: criteria provided, single submitter. Criteria: Invitae Variant Classification Sherloc (09022015). Collection method: clinical testing. Allele origin: germline.
Comment: This sequence change replaces glycine, which is neutral and non-polar, with aspartic acid, which is acidic and polar, at codon 649 of the COL27A1 protein (p.Gly649Asp). This variant is present in population databases (no rsID available, gnomAD 0.003%). This variant has not been reported in the literature in individuals affected with COL27A1-related conditions. ClinVar contains an entry for this variant (Variation ID: 3233893). Invitae Evidence Modeling of protein sequence and biophysical properties (such as structural, functional, and spatial information, amino acid conservation, physicochemical variation, residue mobility, and thermodynamic stability) indicates that this missense variant is expected to disrupt COL27A1 protein function with a positive predictive value of 80%. In summary, the available evidence is currently insufficient to determine the role of this variant in disease. Therefore, it has been classified as a Variant of Uncertain Significance.

Women's Health and Genetics/Laboratory Corporation of America, LabCorp
Classification: Uncertain significance. Last evaluated: 2024-03-18. Review status: criteria provided, single submitter. Criteria: LabCorp Variant Classification Summary - May 2015. Collection method: clinical testing. Allele origin: germline.

NM_032888.4(COL27A1):c.1946G>A (p.Gly649Asp)

Gene: COL27A1 (collagen type XXVII alpha 1 chain; plus strand). Cytogenetic location: 9q32.
Variant type: single nucleotide variant.
Coding change: c.1946G>A on transcript NM_032888.4 (MANE Select); coding-DNA position 1946, G replaced by A.
Protein change: p.Gly649Asp; replaces glycine 649 with aspartic acid.
Molecular consequence: missense variant.
Genome position (GRCh38, 1-based): chr9:114,178,328, G>A. VCF-style: chr9-114178328-G-A. GRCh37 (hg19) VCF-style: chr9-116940608-G-A.
Other names: short protein forms G649D.
Identifiers: ClinVar variation 3233893 (VCV003233893.3), dbSNP rs981318664, ClinGen allele CA198612978.